The following is an entry in ClinVar:

ClinVar aggregate classification (germline): Uncertain significance (1 of 4 stars; one submission).

Conditions:
Arrhythmogenic cardiomyopathy with wooly hair and keratoderma. Also called: PALMOPLANTAR KERATODERMA WITH LEFT VENTRICULAR CARDIOMYOPATHY AND WOOLLY HAIR; Carvajal syndrome; Dilated cardiomyopathy with woolly hair and keratoderma; Arrhythmogenic cardiomyopathy with woolly hair and keratoderma. Identifiers: Orphanet 65282, MedGen C1854063, MONDO:0011581, OMIM 605676.

Submission:

All of Us Research Program, National Institutes of Health
Classification: Uncertain significance for Arrhythmogenic cardiomyopathy with wooly hair and keratoderma. Last evaluated: 2024-08-06. Review status: criteria provided, single submitter. Criteria: ACMG Guidelines, 2015. Collection method: clinical testing. Allele origin: germline. Inheritance: Autosomal dominant inheritance. Observed: 2 variant alleles, 2 heterozygotes.
Comment: This missense variant replaces glutamic acid with aspartic acid at codon 1662 of the DSP protein. Computational prediction suggests that this variant may not impact protein structure and function (internally defined REVEL score threshold <= 0.5, PMID: 27666373). To our knowledge, functional studies have not been reported for this variant. This variant has not been reported in individuals affected with DSP-related disorders in the literature. This variant has not been identified in the general population by the Genome Aggregation Database (gnomAD). The available evidence is insufficient to determine the role of this variant in disease conclusively. Therefore, this variant is classified as a Variant of Uncertain Significance.

This study involves interpretation of variants in research participants for the purpose of population health screening. Participant phenotype was not available at the time of variant classification. Additional details can be found in publication PMID: 35346344, PMCID: PMC8962531

NM_004415.4(DSP):c.4986G>C (p.Glu1662Asp)

Gene: DSP (desmoplakin; plus strand). Cytogenetic location: 6p24.3.
Variant type: single nucleotide variant.
Coding change: c.4986G>C on transcript NM_004415.4 (MANE Select); coding-DNA position 4986, G replaced by C.
Protein change: p.Glu1662Asp; replaces glutamic acid 1662 with aspartic acid.
Molecular consequence: missense variant. On other transcripts: intron variant (2).
Genome position (GRCh38, 1-based): chr6:7,581,176, G>C. VCF-style: chr6-7581176-G-C. GRCh37 (hg19) VCF-style: chr6-7581409-G-C.
Other names: c.4050+936G>C (NM_001319034.2); c.3582+1404G>C (NM_001008844.3); short protein forms E1662D.
Identifiers: ClinVar variation 3072713 (VCV003072713.2), dbSNP rs779233408, ClinGen allele CA362687594.